The following is an entry in ClinVar:

NM_000179.3(MSH6):c.3926C>A (p.Pro1309Gln)

Gene: MSH6 (mutS homolog 6; plus strand). Cytogenetic location: 2p16.3.
Variant type: single nucleotide variant.
Coding change: c.3926C>A on transcript NM_000179.3 (MANE Select); coding-DNA position 3926, C replaced by A.
Protein change: p.Pro1309Gln; replaces proline 1309 with glutamine.
Molecular consequence: missense variant.
Genome position (GRCh38, 1-based): chr2:47,806,576, C>A. VCF-style: chr2-47806576-C-A. GRCh37 (hg19) VCF-style: chr2-48033715-C-A.
Other names: c.3536C>A, p.Pro1179Gln (NM_001281492.2); c.3848C>A, p.Pro1283Gln (NM_001406804.1); c.3629C>A, p.Pro1210Gln (NM_001406805.1, NM_001406824.1, NM_001406825.1 and 10 more transcripts); c.3401C>A, p.Pro1134Gln (NM_001406806.1, NM_001406807.1, NM_001406799.1); c.3926C>A, p.Pro1309Gln (NM_001406808.1, NM_001406809.1, NM_001406796.1); c.3020C>A, p.Pro1007Gln (NM_001406811.1, NM_001406812.1, NM_001406829.1 and 6 more transcripts); c.3932C>A, p.Pro1311Gln (NM_001406813.1); c.3758C>A, p.Pro1253Gln (NM_001406826.1); and 8 more; short protein forms P1007Q, P1021Q, P1134Q, P1179Q, P1210Q, P1251Q, P1253Q, P1283Q.
Identifiers: ClinVar variation 1720893 (VCV001720893.6), dbSNP rs1553333601, ClinGen allele CA346761471.
Genomic context (GRCh38, chr2:47,806,576, plus strand): 5'-TCATTAAGGGAGCTTGTCCTAAAAGCTATGGCTTTAATGCAGCAAGGCTTGCTAATCTCC[C>A]AGAGGAAGTTATTCAAAAGGGACATAGAAAAGCAAGAGAATTTGAGAAGATGAATCAGTC-3'
Protein context (NP_000170.1, residues 1299-1319): GFNAARLANL[Pro1309Gln]EEVIQKGHRK

ClinVar aggregate classification (germline): Uncertain significance (1 of 4 stars; one submission).

Conditions:
Hereditary nonpolyposis colorectal neoplasms. Identifiers: MedGen C0009405, MeSH D003123.

Submission:

Labcorp Genetics (formerly Invitae), Labcorp
Classification: Uncertain significance for Hereditary nonpolyposis colorectal neoplasms. Last evaluated: 2022-10-03. Review status: criteria provided, single submitter. Criteria: Invitae Variant Classification Sherloc (09022015). Collection method: clinical testing. Allele origin: germline.
Comment: This variant is not present in population databases (gnomAD no frequency). In summary, the available evidence is currently insufficient to determine the role of this variant in disease. Therefore, it has been classified as a Variant of Uncertain Significance. Advanced modeling of protein sequence and biophysical properties (such as structural, functional, and spatial information, amino acid conservation, physicochemical variation, residue mobility, and thermodynamic stability) performed at Invitae indicates that this missense variant is expected to disrupt MSH6 protein function. This variant has not been reported in the literature in individuals affected with MSH6-related conditions. This sequence change replaces proline, which is neutral and non-polar, with glutamine, which is neutral and polar, at codon 1309 of the MSH6 protein (p.Pro1309Gln).